The following is an entry in ClinVar:

NM_002661.5(PLCG2):c.2472C>T (p.Val824=)

Gene: PLCG2 (phospholipase C gamma 2; plus strand). Cytogenetic location: 16q23.3.
Variant type: single nucleotide variant.
Coding change: c.2472C>T on transcript NM_002661.5 (MANE Select); coding-DNA position 2472, C replaced by T.
Protein change: p.Val824=; no amino-acid change (valine 824 retained).
Molecular consequence: synonymous variant.
Genome position (GRCh38, 1-based): chr16:81,927,136, C>T. VCF-style: chr16-81927136-C-T. GRCh37 (hg19) VCF-style: chr16-81960741-C-T.
Identifiers: ClinVar variation 1573712 (VCV001573712.37), dbSNP rs763617895, ClinGen allele CA8194286.
Genomic context (GRCh38, chr16:81,927,136, plus strand): 5'-ATCCAGGTGGAAAGGAGACTATGGAACCAGGATCCAGCAGTACTTCCCATCCAACTACGT[C>T]GAGGACATCTCAACTGCAGACTTCGAGGAGCTAGAAAAGCAGGTGAGTCCCCCTCTTCGA-3'
Protein context (NP_002652.2, residues 814-834): RIQQYFPSNY[Val824=]EDISTADFEE

ClinVar aggregate classification (germline): Likely benign. Review status: criteria provided, multiple submitters, no conflicts (2 of 4 stars). 2 submissions from 2 submitters: Likely benign (2). Last evaluated 2026-01-17.

Conditions:
Familial cold autoinflammatory syndrome 3 (FCAS3). Also called: FAMILIAL ATYPICAL COLD URTICARIA; ANTIBODY DEFICIENCY AND IMMUNE DYSREGULATION, PLCG2-ASSOCIATED. Identifiers: Orphanet 300359, MedGen C3280914, MONDO:0013766, OMIM 614468.

Allele frequency attached by ClinVar (database versions not stated): ExAC 0.00001; gnomAD 0.00001; TOPMed 0.00001.
gnomAD v4.1: 30 of 1,613,696 alleles (0.0019%); highest among the groups gnomAD compares: Non-Finnish European, 0.0023%; no homozygotes.

Submissions (2):

Labcorp Genetics (formerly Invitae), Labcorp
Classification: Likely benign for Familial cold autoinflammatory syndrome 3. Last evaluated: 2026-01-17. Review status: criteria provided, single submitter. Criteria: Invitae Variant Classification Sherloc (09022015). Collection method: clinical testing. Allele origin: germline.

CeGaT Center for Human Genetics Tuebingen
Classification: Likely benign. Last evaluated: 2022-10-01. Review status: criteria provided, single submitter. Criteria: CeGaT Center For Human Genetics Tuebingen Variant Classification Criteria Version 2. Collection method: clinical testing. Allele origin: germline. Affected: yes. Observed: 1 variant allele.
Comment: PLCG2: BP4, BP7